The following is an entry in ClinVar:

NM_030631.4(SLC25A21):c.-207T>C

Genes: SLC25A21 (solute carrier family 25 member 21; minus strand), SLC25A21-AS1 (SLC25A21 antisense RNA 1; plus strand). Cytogenetic location: 14q13.3.
Variant type: single nucleotide variant.
Coding change: c.-207T>C on transcript NM_030631.4 (MANE Select); 207 bases upstream of the start codon, T replaced by C.
Molecular consequence: 5 prime UTR variant. On other transcripts: non-coding transcript variant (1).
Genome position (GRCh38, 1-based): chr14:37,172,557, A>G on the plus strand (T>C on the coding strand, the complement: SLC25A21 is on the minus strand). VCF-style: chr14-37172557-A-G. GRCh37 (hg19) VCF-style: chr14-37641762-A-G.
Other names: c.-207T>C (NM_001171170.2).
Identifiers: ClinVar variation 3777835 (VCV003777835.7).

ClinVar aggregate classification (germline): Likely benign (1 of 4 stars; one submission).

gnomAD v4.1: 4,003 of 712,774 alleles (0.56%); highest among the groups gnomAD compares: Non-Finnish European, 0.67%; 30 homozygotes.

Submission:

CeGaT Center for Human Genetics Tuebingen
Classification: Likely benign. Last evaluated: 2025-07-01. Review status: criteria provided, single submitter. Criteria: CeGaT Center For Human Genetics Tuebingen Variant Classification Criteria Version 2. Collection method: clinical testing. Allele origin: germline. Affected: yes. Observed: 4 variant alleles.
Comment: SLC25A21-AS1: BS2